The following is an entry in ClinVar:

NM_022124.6(CDH23):c.6546C>A (p.Ser2182Arg)

Gene: CDH23 (cadherin related 23; plus strand). Cytogenetic location: 10q22.1.
Variant type: single nucleotide variant.
Coding change: c.6546C>A on transcript NM_022124.6 (MANE Select); coding-DNA position 6546, C replaced by A.
Protein change: p.Ser2182Arg; replaces serine 2182 with arginine.
Molecular consequence: missense variant.
Genome position (GRCh38, 1-based): chr10:71,793,474, C>A. VCF-style: chr10-71793474-C-A. GRCh37 (hg19) VCF-style: chr10-73553231-C-A.
Other names: short protein forms S2182R.
Identifiers: ClinVar variation 3776397 (VCV003776397.1).

ClinVar aggregate classification (germline): Uncertain significance (1 of 4 stars; one submission).

gnomAD v4.1: 1 of 1,613,998 alleles (0.000062%); no homozygotes.

Submission:

GeneDx
Classification: Uncertain significance. Last evaluated: 2024-10-03. Review status: criteria provided, single submitter. Criteria: GeneDx Variant Classification Process June 2021. Collection method: clinical testing. Allele origin: germline. Affected: yes.
Comment: Not observed at significant frequency in large population cohorts (gnomAD); In silico analysis supports that this missense variant has a deleterious effect on protein structure/function; Has not been previously published as pathogenic or benign to our knowledge